The following is an entry in ClinVar:

ClinVar aggregate classification (germline): Uncertain significance (1 of 4 stars; one submission).

Conditions:
Distal myopathy with posterior leg and anterior hand involvement. Also called: WILLIAMS DISTAL MYOPATHY. Identifiers: Orphanet 63273, MedGen C3279722, MONDO:0013550, OMIM 614065.
Hypertrophic cardiomyopathy 26. Also called: Cardiomyopathy, familial hypertrophic, 26. Identifiers: Orphanet 75249, MedGen C4310749, MONDO:0014883, OMIM 617047.
Myofibrillar myopathy 5. Also called: Filaminopathy (type); FILAMINOPATHY, AUTOSOMAL DOMINANT. Identifiers: Orphanet 171445, MedGen C1836050, MONDO:0012289, OMIM 609524.

Allele frequency attached by ClinVar (database versions not stated): gnomAD exomes below 0.00001; gnomAD 0.00001.
gnomAD v4.1: 2 of 1,613,886 alleles (0.00012%); highest among the groups gnomAD compares: African/African-American, 0.0027%; no homozygotes.

Submission:

Labcorp Genetics (formerly Invitae), Labcorp
Classification: Uncertain significance for Distal myopathy with posterior leg and anterior hand involvement; Myofibrillar myopathy 5; Hypertrophic cardiomyopathy 26. Last evaluated: 2024-08-10. Review status: criteria provided, single submitter. Criteria: Invitae Variant Classification Sherloc (09022015). Collection method: clinical testing. Allele origin: germline.
Comment: This sequence change replaces valine, which is neutral and non-polar, with methionine, which is neutral and non-polar, at codon 1773 of the FLNC protein (p.Val1773Met). This variant is not present in population databases (gnomAD no frequency). This missense change has been observed in individual(s) with dilated cardiomyopathy (internal data). ClinVar contains an entry for this variant (Variation ID: 1922100). Advanced modeling of protein sequence and biophysical properties (such as structural, functional, and spatial information, amino acid conservation, physicochemical variation, residue mobility, and thermodynamic stability) has been performed at Invitae for this missense variant, however the output from this modeling did not meet the statistical confidence thresholds required to predict the impact of this variant on FLNC protein function. In summary, the available evidence is currently insufficient to determine the role of this variant in disease. Therefore, it has been classified as a Variant of Uncertain Significance.

NM_001458.5(FLNC):c.5317G>A (p.Val1773Met)

Genes: FLNC-AS1 (FLNC antisense RNA 1; minus strand), FLNC (filamin C; plus strand). Cytogenetic location: 7q32.1.
Variant type: single nucleotide variant.
Coding change: c.5317G>A on transcript NM_001458.5 (MANE Select); coding-DNA position 5317, G replaced by A.
Protein change: p.Val1773Met; replaces valine 1773 with methionine.
Molecular consequence: missense variant. On other transcripts: non-coding transcript variant (1).
Genome position (GRCh38, 1-based): chr7:128,850,402, G>A. VCF-style: chr7-128850402-G-A. GRCh37 (hg19) VCF-style: chr7-128490456-G-A.
Other names: c.5218G>A, p.Val1740Met (NM_001127487.2); short protein forms V1773M, V1740M.
Identifiers: ClinVar variation 1922100 (VCV001922100.5), dbSNP rs1808757326, ClinGen allele CA369204977.